The following continues an entry in ClinVar:

NM_000053.4(ATP7B):c.3517G>A (p.Glu1173Lys)

Gene: ATP7B. ClinVar aggregate classification (germline): Pathogenic/Likely pathogenic. Pathogenic (12); Likely pathogenic (1).

Submissions 11 to 14 of 14:

Illumina Laboratory Services, Illumina
Classification: Pathogenic for Wilson disease. Last evaluated: 2018-08-16. Review status: criteria provided, single submitter. Criteria: ICSL Variant Classification Criteria 09 May 2019. Collection method: clinical testing. Allele origin: germline.
Comment: The ATP7B c.3517G>A (p.Glu1173Lys) missense variant has been reported in seven studies in which it is found in a compound heterozygous state in at least seven patients and in a heterozygous state in at least eight patients, all with Wilson disease (Loudianos et al. 1999; Lee et al. 2000; Chappuis et al. 2007; Geng et al. 2013; Gu et al. 2013; Cheng et al. 2014; Dong et al. 2016). In at least one family in which the patient was compound heterozygous for the p.Glu1173Lys variant and a missense variant, the unaffected sister and father were identified to be heterozygous for the p.Glu1173Lys variant while the unaffected mother was heterozygous for the other missense variant. This variant was absent from at least 77 controls and is reported at a frequency of 0.000012 in the total population from the Genome Aggregation Database. Based on the evidence, the p.Glu1173Lys variant is classified as pathogenic for Wilson disease. This variant was observed by ICSL as part of a predisposition screen in an ostensibly healthy population.

Women's Health and Genetics/Laboratory Corporation of America, LabCorp
Classification: Pathogenic for Wilson disease. Last evaluated: 2017-04-13. Review status: criteria provided, single submitter. Criteria: LabCorp Variant Classification Summary - May 2015. Collection method: clinical testing. Allele origin: germline.
Comment: Variant summary: The ATP7B c.3517G>A (p.Glu1173Lys) variant involves the alteration of a conserved nucleotide, resulting in a missense substitution. The variant lies within the HAD-like domain and P-type ATPase, cytoplasmic domain N (InterPro). 4/5 in silico tools predict a damaging outcome for this variant. This variant was found in the large control database ExAC and control cohorts in the literature at a frequency of 0.0000082 (1/121248 control chromosomes), which does not exceed the estimated maximal expected allele frequency of a pathogenic ATP7B variant (0.0054006). Multiple publications have reported the variant in Wilson disease patients. One study that provided familial genotyping data to confirm inheritance of the variant of interest along with a second pathogenic allele (Lee_TP7B_JHG_2000). One clinical diagnostic laboratory and several reputable databases have classified this variant as likely pathogenic or pathogenic. Taken together, this variant is classified as pathogenic.

Juno Genomics, Hangzhou Juno Genomics, Inc
Classification: Pathogenic for Wilson disease. Review status: criteria provided, single submitter. Criteria: ACMG Guidelines, 2015. Collection method: clinical testing. Allele origin: germline.
Comment: Absent from controls (or at extremely low frequency if recessive) in Genome Aggregation Database.;Multiple lines of computational evidence support a deleterious effect on the gene or gene product.;For recessive disorders, detected in trans with a pathogenic variant.

Counsyl
Classification: Likely pathogenic for Wilson's disease. Last evaluated: 2014-11-06. Review status: no assertion criteria provided. Collection method: literature only. Allele origin: unknown. Inheritance: Autosomal recessive inheritance. Not counted in ClinVar's aggregate classification.

Literature cited by the submitters: PubMed 24475083 (cited by Natera, Inc.); PubMed 23275100 (cited by 7 submitters); PubMed 23843956 (cited by 7 submitters); PubMed 10544227 (cited by 7 submitters); PubMed 29649982 (cited by Dasa); PubMed 33763395 (cited by Dasa); PubMed 36253962 (cited by Dasa); PubMed 17317524 (cited by 6 submitters); PubMed 39267050 (cited by Dasa); PubMed 35245129 (cited by 3 submitters); PubMed 17680703 (cited by Labcorp Genetics (formerly Invitae), Labcorp); PubMed 27022412 (cited by 4 submitters); PubMed 20333758 (cited by Labcorp Genetics (formerly Invitae), Labcorp); PubMed 11043508 (cited by 5 submitters); PubMed 11405812 (cited by 4 submitters); PubMed 11775208 (cited by 3 submitters); PubMed 14986826 (cited by 4 submitters); PubMed 24718822 (cited by 3 submitters); PubMed 30702195 (cited by All of Us Research Program, National Institutes of Health and Color Diagnostics, LLC DBA Color Health); PubMed 18034201 (cited by Women's Health and Genetics/Laboratory Corporation of America, LabCorp and Counsyl); PubMed 22692182 (cited by Women's Health and Genetics/Laboratory Corporation of America, LabCorp and Counsyl).